The following is an entry in ClinVar:

NM_000089.4(COL1A2):c.1971+1G>C

Gene: COL1A2 (collagen type I alpha 2 chain; plus strand). Cytogenetic location: 7q21.3.
Variant type: single nucleotide variant.
Coding change: c.1971+1G>C on transcript NM_000089.4 (MANE Select); the canonical splice donor site of the intron after coding-DNA position 1971, G replaced by C.
Molecular consequence: splice donor variant.
Genome position (GRCh38, 1-based): chr7:94,417,832, G>C. VCF-style: chr7-94417832-G-C. GRCh37 (hg19) VCF-style: chr7-94047144-G-C.
Identifiers: ClinVar variation 4851490 (VCV004851490.1).

ClinVar aggregate classification (germline): Pathogenic (1 of 4 stars; one submission).

Conditions:
Osteogenesis imperfecta (OI). Identifiers: Orphanet 666, MedGen C0029434, MeSH D010013, MONDO:0019019.

Submission:

Synevo Romania
Classification: Pathogenic for Osteogenesis imperfecta. Last evaluated: 2025-11-05. Review status: criteria provided, single submitter. Criteria: ACMG Guidelines, 2015. Collection method: clinical testing. Allele origin: unknown. Inheritance: Autosomal dominant inheritance. Observed: 1 variant allele, 1 heterozygote.
Comment: The COL1A2:c.1971+1G>C variant is a canonical splice site alteration with a predicted inframe skipping of exon 32 of the COL1A2 gene. Splicing events affecting the gene region between exons 9-47 have been shown to be corelated with OI phenotype. This intronic variation is virtually absent from the general population (gnomAD v4 AC=0, region covered >20x). The variant has been seen in an individual diagnosed with OI type 3 (PMID: 35611473). Another variation at this nucleotidic position has been reported in association with both the lethal forms of OI and nonlethal (PMID: 17078022). Based on this evidence, the variant has been classified class 5, Pathogenic, based on updated ACMG guidelines. Criteria applied: PVS1, PM2_Supporting, PM5_Supporting

Literature cited by the submitters: PubMed 17078022; PubMed 35611473.